The following is an entry in ClinVar:

ClinVar aggregate classification (germline): Pathogenic (1 of 4 stars; one submission).

Conditions:
Hyper-IgE recurrent infection syndrome 3, autosomal recessive. Also called: Autosomal recessive hyper-IgE syndrome due to ZNF341 deficiency; HYPER-IgE SYNDROME 3, AUTOSOMAL RECESSIVE, WITH RECURRENT INFECTIONS. Identifiers: Orphanet 641368, MedGen C4748969, MONDO:0032654, OMIM 618282.

Submission:

Labcorp Genetics (formerly Invitae), Labcorp
Classification: Pathogenic for Combined immunodeficiency due to DOCK8 deficiency. Last evaluated: 2019-11-14. Review status: criteria provided, single submitter. Criteria: Invitae Variant Classification Sherloc (09022015). Collection method: clinical testing. Allele origin: germline.
Comment: For these reasons, this variant has been classified as Pathogenic. Loss-of-function variants in DOCK8 are known to be pathogenic (PMID: 14722525, 19776401). This variant has not been reported in the literature in individuals with DOCK8-related conditions. This variant is an out-of-frame deletion of the genomic region encompassing exons 10-11 of the DOCK8 gene. This is expected to create a premature translational stop signal and result in an absent or disrupted protein product.

Literature cited by the submitters: PubMed 14722525; PubMed 19776401.

NC_000009.12:g.(?_332378)_(334404_?)del

Gene: DOCK8 (dedicator of cytokinesis 8; plus strand). Cytogenetic location: 9p24.3.
Variant type: Deletion.
Identifiers: ClinVar variation 831070 (VCV000831070.9).